The following is an entry in ClinVar:

NM_001130438.3(SPTAN1):c.1869A>T (p.Ala623=)

Gene: SPTAN1 (spectrin alpha, non-erythrocytic 1; plus strand). Cytogenetic location: 9q34.11.
Variant type: single nucleotide variant.
Coding change: c.1869A>T on transcript NM_001130438.3 (MANE Select); coding-DNA position 1869, A replaced by T.
Protein change: p.Ala623=; no amino-acid change (alanine 623 retained).
Molecular consequence: synonymous variant.
Genome position (GRCh38, 1-based): chr9:128,583,139, A>T. VCF-style: chr9-128583139-A-T. GRCh37 (hg19) VCF-style: chr9-131345418-A-T.
Other names: c.1869A>T, p.Ala623= (NM_001195532.2, NM_001363759.2, NM_001363765.2 and 1 more transcripts).
Identifiers: ClinVar variation 388676 (VCV000388676.1), dbSNP rs1057523195, ClinGen allele CA16605514.

ClinVar aggregate classification (germline): Likely benign (1 of 4 stars; one submission).

Allele frequency attached by ClinVar (database versions not stated): gnomAD 0.00001; TOPMed 0.00001 and below 0.00001.
gnomAD v4.1: 1 of 1,614,086 alleles (0.000062%); highest among the groups gnomAD compares: African/African-American, 0.0013%; no homozygotes.

Submission:

GeneDx
Classification: Likely benign. Last evaluated: 2016-08-17. Review status: criteria provided, single submitter. Criteria: GeneDx Variant Classification (06012015). Collection method: clinical testing. Allele origin: germline. Affected: yes.
Comment: This variant is considered likely benign or benign based on one or more of the following criteria: it is a conservative change, it occurs at a poorly conserved position in the protein, it is predicted to be benign by multiple in silico algorithms, and/or has population frequency not consistent with disease.